The following is an entry in ClinVar:

NM_003872.3(NRP2):c.821-3C>T

Gene: NRP2 (neuropilin 2; plus strand). Cytogenetic location: 2q33.3.
Variant type: single nucleotide variant.
Coding change: c.821-3C>T on transcript NM_003872.3 (MANE Select); 3 bases into the intron before coding-DNA position 821, C replaced by T.
Molecular consequence: intron variant.
Genome position (GRCh38, 1-based): chr2:205,725,910, C>T. VCF-style: chr2-205725910-C-T. GRCh37 (hg19) VCF-style: chr2-206590634-C-T.
Other names: c.821-3C>T (NM_201266.2, NM_201279.2, NM_018534.4 and 2 more transcripts).
Identifiers: ClinVar variation 4986580 (VCV004986580.1).
Genomic context (GRCh38, chr2:205,725,910, plus strand): 5'-TTGGGGGATCCCGAGGTATGAGGTTGGAAGGCCTAACTGCATTTGACCGTCTGCTTTCCC[C>T]AGACTTTCAGTGCAATGTTCCTCTGGGCATGGAGTCTGGCCGGATTGCTAATGAACAGAT-3'

ClinVar aggregate classification (germline): Likely benign (1 of 4 stars; one submission).

Conditions:
NRP2-related disorder. Also called: NRP2-related condition.

gnomAD v4.1: 6 of 1,613,936 alleles (0.00037%); highest among the groups gnomAD compares: African/African-American, 0.0053%; no homozygotes.

Submission:

PreventionGenetics, part of Exact Sciences
Classification: Likely benign for NRP2-related condition. Last evaluated: 2025-05-15. Review status: criteria provided, single submitter. Criteria: ACMG Guidelines, 2015. Collection method: clinical testing. Allele origin: germline.
Comment: This variant is classified as likely benign based on ACMG/AMP sequence variant interpretation guidelines (Richards et al. 2015 PMID: 25741868, with internal and published modifications).